The following is an entry in ClinVar:

ClinVar aggregate classification (germline): Uncertain significance. Review status: criteria provided, multiple submitters, no conflicts (2 of 4 stars). 2 submissions from 2 submitters: Uncertain significance (2). Last evaluated 2025-03-14.

Conditions:
Primary dilated cardiomyopathy (DCM). Also called: Dilated Cardiomyopathy. Identifiers: Orphanet 217604, MedGen C0007193, MeSH D002311, MONDO:0005021, HP:0001644. Inheritance: Various modes of inheritance.

Allele frequency attached by ClinVar (database versions not stated): TOPMed below 0.00001; gnomAD 0.00001.
gnomAD v4.1: 1 of 1,612,626 alleles (0.000062%); highest among the groups gnomAD compares: Non-Finnish European, 0.000085%; no homozygotes.

Submissions (2):

Ambry Genetics
Classification: Uncertain significance. Last evaluated: 2025-03-14. Review status: criteria provided, single submitter. Criteria: Ambry Variant Classification Scheme 2023. Collection method: clinical testing. Allele origin: germline.
Comment: The p.A604T variant (also known as c.1810G>A), located in coding exon 18 of the NEBL gene, results from a G to A substitution at nucleotide position 1810. The alanine at codon 604 is replaced by threonine, an amino acid with similar properties. This amino acid position is conserved. In addition, this alteration is predicted to be tolerated by in silico analysis. Based on the available evidence, the clinical significance of this variant remains unclear.

Labcorp Genetics (formerly Invitae), Labcorp
Classification: Uncertain significance for Primary dilated cardiomyopathy. Last evaluated: 2023-09-08. Review status: criteria provided, single submitter. Criteria: Invitae Variant Classification Sherloc (09022015). Collection method: clinical testing. Allele origin: germline.
Comment: This sequence change replaces alanine, which is neutral and non-polar, with threonine, which is neutral and polar, at codon 604 of the NEBL protein (p.Ala604Thr). This variant is not present in population databases (gnomAD no frequency). This variant has not been reported in the literature in individuals affected with NEBL-related conditions. An algorithm developed to predict the effect of missense changes on protein structure and function (PolyPhen-2) suggests that this variant is likely to be disruptive. In summary, the available evidence is currently insufficient to determine the role of this variant in disease. Therefore, it has been classified as a Variant of Uncertain Significance.

NM_006393.3(NEBL):c.1810G>A (p.Ala604Thr)

Gene: NEBL (nebulette; minus strand). Cytogenetic location: 10p12.31.
Variant type: single nucleotide variant.
Coding change: c.1810G>A on transcript NM_006393.3 (MANE Select); coding-DNA position 1810, G replaced by A.
Protein change: p.Ala604Thr; replaces alanine 604 with threonine.
Molecular consequence: missense variant. On other transcripts: intron variant (9).
Genome position (GRCh38, 1-based): chr10:20,826,506, C>T on the plus strand (G>A on the coding strand, the complement: NEBL is on the minus strand). VCF-style: chr10-20826506-C-T. GRCh37 (hg19) VCF-style: chr10-21115435-C-T.
Other names: c.250-13566G>A (NM_001377326.1, NM_001377327.1, NM_001377328.1); c.358-13566G>A (NM_213569.2, NM_001173484.2, NM_001377322.1); c.301-13566G>A (NM_001377324.1); c.292-13566G>A (NM_001377325.1); c.310-13566G>A (NM_001377323.1); short protein forms A604T.
Identifiers: ClinVar variation 2882369 (VCV002882369.4), dbSNP rs1367114613, ClinGen allele CA376096151.